The following is an entry in ClinVar:

ClinVar aggregate classification (germline): Uncertain significance. Review status: criteria provided, multiple submitters, no conflicts (2 of 4 stars). 3 submissions from 3 submitters: Uncertain significance (3). Last evaluated 2025-07-22.

Conditions:
POLD1-related polyposis and colorectal cancer syndrome (CRCS10). Also called: Colorectal cancer 10; COLORECTAL CANCER, SUSCEPTIBILITY TO, ON CHROMOSOME 19q; Colorectal cancer, susceptibility to, 10. Identifiers: Orphanet 220460, MedGen C2675481, MONDO:0012953, OMIM 612591.
Hereditary cancer-predisposing syndrome. Also called: Neoplastic Syndromes, Hereditary; Hereditary neoplastic syndrome; Tumor predisposition; Hereditary Cancer Syndrome. Identifiers: Orphanet 140162, MedGen C0027672, MeSH D009386, MONDO:0015356.

Allele frequency attached by ClinVar (database versions not stated): gnomAD exomes below 0.00001.
gnomAD v4.1: 1 of 1,611,506 alleles (0.000062%); highest among the groups gnomAD compares: East Asian, 0.0022%; no homozygotes.

Submissions (3):

Labcorp Genetics (formerly Invitae), Labcorp
Classification: Uncertain significance for POLD1-related polyposis and colorectal cancer syndrome. Last evaluated: 2025-07-22. Review status: criteria provided, single submitter. Criteria: Invitae Variant Classification Sherloc (09022015). Collection method: clinical testing. Allele origin: germline.
Comment: This sequence change replaces aspartic acid, which is acidic and polar, with asparagine, which is neutral and polar, at codon 1088 of the POLD1 protein (p.Asp1088Asn). This variant is not present in population databases (gnomAD no frequency). This variant has not been reported in the literature in individuals affected with POLD1-related conditions. ClinVar contains an entry for this variant (Variation ID: 469333). Invitae Evidence Modeling of protein sequence and biophysical properties (such as structural, functional, and spatial information, amino acid conservation, physicochemical variation, residue mobility, and thermodynamic stability) indicates that this missense variant is not expected to disrupt POLD1 protein function with a negative predictive value of 80%. In summary, the available evidence is currently insufficient to determine the role of this variant in disease. Therefore, it has been classified as a Variant of Uncertain Significance.

Ambry Genetics
Classification: Uncertain significance for Hereditary cancer-predisposing syndrome. Last evaluated: 2024-03-27. Review status: criteria provided, single submitter. Criteria: Ambry Variant Classification Scheme 2023. Collection method: clinical testing. Allele origin: germline.
Comment: The p.D1088N variant (also known as c.3262G>A), located in coding exon 26 of the POLD1 gene, results from a G to A substitution at nucleotide position 3262. The aspartic acid at codon 1088 is replaced by asparagine, an amino acid with highly similar properties. This amino acid position is conserved. In addition, this alteration is predicted to be tolerated by in silico analysis. Since supporting evidence is limited at this time, the clinical significance of this alteration remains unclear.

GeneDx
Classification: Uncertain significance. Last evaluated: 2021-10-15. Review status: criteria provided, single submitter. Criteria: GeneDx Variant Classification Process June 2021. Collection method: clinical testing. Allele origin: germline. Affected: yes.
Comment: Not observed at significant frequency in large population cohorts (Lek 2016); In silico analysis supports that this missense variant has a deleterious effect on protein structure/function; Has not been previously published as pathogenic or benign to our knowledge

NM_002691.4(POLD1):c.3262G>A (p.Asp1088Asn)

Gene: POLD1 (DNA polymerase delta 1, catalytic subunit; plus strand). Cytogenetic location: 19q13.33.
Variant type: single nucleotide variant.
Coding change: c.3262G>A on transcript NM_002691.4 (MANE Select); coding-DNA position 3262, G replaced by A.
Protein change: p.Asp1088Asn; replaces aspartic acid 1088 with asparagine.
Molecular consequence: missense variant. On other transcripts: non-coding transcript variant (1).
Genome position (GRCh38, 1-based): chr19:50,417,885, G>A. VCF-style: chr19-50417885-G-A. GRCh37 (hg19) VCF-style: chr19-50921142-G-A.
Other names: c.3262G>A, p.Asp1088Asn (NM_001256849.1); c.3340G>A, p.Asp1114Asn (NM_001308632.1); short protein forms D1088N, D1114N.
Identifiers: ClinVar variation 469333 (VCV000469333.13), dbSNP rs1555793878, ClinGen allele CA406987791.